The following is an entry in ClinVar:

ClinVar aggregate classification (germline): Uncertain significance (1 of 4 stars; one submission).

Conditions:
Catecholaminergic polymorphic ventricular tachycardia 1. Also called: RYR2-Related Catecholaminergic Polymorphic Ventricular Tachycardia; VENTRICULAR TACHYCARDIA, CATECHOLAMINERGIC POLYMORPHIC, 1, WITH OR WITHOUT ATRIAL DYSFUNCTION AND/OR DILATED CARDIOMYOPATHY; VENTRICULAR TACHYCARDIA, STRESS-INDUCED POLYMORPHIC 1. Identifiers: Orphanet 3286, MedGen C1631597, MONDO:0011484, OMIM 604772.

Submission:

Labcorp Genetics (formerly Invitae), Labcorp
Classification: Uncertain significance for Catecholaminergic polymorphic ventricular tachycardia 1. Last evaluated: 2022-07-04. Review status: criteria provided, single submitter. Criteria: Invitae Variant Classification Sherloc (09022015). Collection method: clinical testing. Allele origin: germline.
Comment: In summary, the available evidence is currently insufficient to determine the role of this variant in disease. Therefore, it has been classified as a Variant of Uncertain Significance. Advanced modeling of protein sequence and biophysical properties (such as structural, functional, and spatial information, amino acid conservation, physicochemical variation, residue mobility, and thermodynamic stability) performed at Invitae indicates that this missense variant is expected to disrupt RYR2 protein function. This variant has not been reported in the literature in individuals affected with RYR2-related conditions. This variant is not present in population databases (gnomAD no frequency). This sequence change replaces leucine, which is neutral and non-polar, with valine, which is neutral and non-polar, at codon 4780 of the RYR2 protein (p.Leu4780Val).

NM_001035.3(RYR2):c.14338C>G (p.Leu4780Val)

Gene: RYR2 (ryanodine receptor 2; plus strand). Cytogenetic location: 1q43.
Variant type: single nucleotide variant.
Coding change: c.14338C>G on transcript NM_001035.3 (MANE Select); coding-DNA position 14338, C replaced by G.
Protein change: p.Leu4780Val; replaces leucine 4780 with valine.
Molecular consequence: missense variant.
Genome position (GRCh38, 1-based): chr1:237,808,940, C>G. VCF-style: chr1-237808940-C-G. GRCh37 (hg19) VCF-style: chr1-237972240-C-G.
Other names: short protein forms L4780V.
Identifiers: ClinVar variation 2013940 (VCV002013940.4), dbSNP rs764103963, ClinGen allele CA345424181.